The following is an entry in ClinVar:

ClinVar aggregate classification (germline): Uncertain significance (0 of 4 stars; one submission).

Allele frequency attached by ClinVar (database versions not stated): gnomAD exomes below 0.00001.
gnomAD v4.1: 1 of 1,614,222 alleles (0.000062%); highest among the groups gnomAD compares: Non-Finnish European, 0.000085%; no homozygotes.

Submission:

Martin Pollak Laboratory,  Beth Israel Deaconess Medical Center
Classification: Uncertain significance. Review status: no assertion criteria provided. Collection method: not provided. Allele origin: unknown.
Comment: Lower UCa2+ group
ClinVar note: Converted during submission from unknown to Uncertain significance.

NM_000388.4(CASR):c.3107T>C (p.Val1036Ala)

Gene: CASR (calcium sensing receptor; plus strand). Cytogenetic location: 3q21.1.
Variant type: single nucleotide variant.
Coding change: c.3107T>C on transcript NM_000388.4 (MANE Select); coding-DNA position 3107, T replaced by C.
Protein change: p.Val1036Ala; replaces valine 1036 with alanine.
Molecular consequence: missense variant.
Genome position (GRCh38, 1-based): chr3:122,285,061, T>C. VCF-style: chr3-122285061-T-C. GRCh37 (hg19) VCF-style: chr3-122003908-T-C.
Other names: c.3137T>C, p.Val1046Ala (NM_001178065.2); short protein forms V1036A, V1046A.
Identifiers: ClinVar variation 64436 (VCV000064436.2), dbSNP rs387907393, ClinGen allele CA216136.